The following is an entry in ClinVar:

ClinVar aggregate classification (germline): Benign/Likely benign. Review status: criteria provided, multiple submitters, no conflicts (2 of 4 stars). 3 submissions from 3 submitters: Benign (2); Likely benign (1). Last evaluated 2026-01-15.

Conditions:
PXDN-related disorder. Also called: PXDN-related condition.
Anterior segment dysgenesis 7 (ASGD7). Also called: Anterior segment dysgenesis 7, with sclerocornea; SCLEROCORNEA WITH OTHER OCULAR ANOMALIES. Identifiers: Orphanet 289499, MedGen C3151617, MONDO:0010015, OMIM 269400.

Allele frequency attached by ClinVar (database versions not stated): gnomAD exomes 0.00012 and 0.00036; ExAC 0.00045; TOPMed 0.00092; ESP Exome Variant Server 0.00100; gnomAD 0.00115; 1000 Genomes Project 0.00359; 1000 Genomes Project 30x 0.00406.
gnomAD v4.1: 366 of 1,613,864 alleles (0.023%); highest among the groups gnomAD compares: African/African-American, 0.4%; 1 homozygote.

Submissions (3):

Labcorp Genetics (formerly Invitae), Labcorp
Classification: Benign for Anterior segment dysgenesis 7. Last evaluated: 2026-01-15. Review status: criteria provided, single submitter. Criteria: Invitae Variant Classification Sherloc (09022015). Collection method: clinical testing. Allele origin: germline.

PreventionGenetics, part of Exact Sciences
Classification: Likely benign for PXDN-related condition. Last evaluated: 2024-10-11. Review status: criteria provided, single submitter. Criteria: ACMG Guidelines, 2015. Collection method: clinical testing. Allele origin: germline.
Comment: This variant is classified as likely benign based on ACMG/AMP sequence variant interpretation guidelines (Richards et al. 2015 PMID: 25741868, with internal and published modifications).

Breakthrough Genomics
Classification: Benign. Review status: criteria provided, single submitter. Criteria: ACMG Guidelines, 2015. Collection method: not provided. Allele origin: germline. Inheritance: Autosomal recessive inheritance. Affected: yes.

NM_012293.3(PXDN):c.648G>A (p.Ala216=)

Gene: PXDN (peroxidasin; minus strand). Cytogenetic location: 2p25.3.
Variant type: single nucleotide variant.
Coding change: c.648G>A on transcript NM_012293.3 (MANE Select); coding-DNA position 648, G replaced by A.
Protein change: p.Ala216=; no amino-acid change (alanine 216 retained).
Molecular consequence: synonymous variant.
Genome position (GRCh38, 1-based): chr2:1,680,275, C>T on the plus strand (G>A on the coding strand, the complement: PXDN is on the minus strand). VCF-style: chr2-1680275-C-T. GRCh37 (hg19) VCF-style: chr2-1684047-C-T.
Identifiers: ClinVar variation 766902 (VCV000766902.9), dbSNP rs183196973, ClinGen allele CA1513585.